The following is an entry in ClinVar:

NM_152564.5(VPS13B):c.*924A>C

Gene: VPS13B (vacuolar protein sorting 13 homolog B; plus strand). Cytogenetic location: 8q22.2.
Variant type: single nucleotide variant.
Coding change: c.*924A>C on transcript NM_152564.5 (MANE Select); 924 bases downstream of the stop codon, A replaced by C.
Molecular consequence: 3 prime UTR variant.
Genome position (GRCh38, 1-based): chr8:99,876,590, A>C. VCF-style: chr8-99876590-A-C. GRCh37 (hg19) VCF-style: chr8-100888818-A-C.
Other names: c.*924A>C (NM_017890.5).
Identifiers: ClinVar variation 911776 (VCV000911776.4), dbSNP rs186225330, ClinGen allele CA182336355.

ClinVar aggregate classification (germline): Likely benign (1 of 4 stars; one submission).

Conditions:
Cohen syndrome (COH1). Also called: PEPPER SYNDROME; Cutis verticis gyrata, retinitis pigmentosa, and sensorineural deafness. Identifiers: Orphanet 193, MedGen C0265223, MONDO:0008999, OMIM 216550.

Allele frequency attached by ClinVar (database versions not stated): TOPMed 0.00020; gnomAD 0.00066 and 0.00074; 1000 Genomes Project 30x 0.00250; 1000 Genomes Project 0.00260.

Submission:

Illumina Laboratory Services, Illumina
Classification: Likely benign for Cohen syndrome. Last evaluated: 2018-01-13. Review status: criteria provided, single submitter. Criteria: ICSL Variant Classification Criteria 13 December 2019. Collection method: clinical testing. Allele origin: germline.
Comment: This variant was observed in the ICSL laboratory as part of a predisposition screen in an ostensibly healthy population. It had not been previously curated by ICSL or reported in the Human Gene Mutation Database (HGMD: prior to June 1st, 2018), and was therefore a candidate for classification through an automated scoring system. Utilizing variant allele frequency, disease prevalence and penetrance estimates, and inheritance mode, an automated score was calculated to assess if this variant is too frequent to cause the disease. Based on the score and internal cut-off values, a variant classified as likely benign is not then subjected to further curation. The score for this variant resulted in a classification of likely benign for this disease.